The following is an entry in ClinVar:

ClinVar aggregate classification (germline): Uncertain significance (1 of 4 stars; one submission).

Allele frequency attached by ClinVar (database versions not stated): TOPMed below 0.00001.

Submission:

Labcorp Genetics (formerly Invitae), Labcorp
Classification: Uncertain significance. Last evaluated: 2022-01-04. Review status: criteria provided, single submitter. Criteria: Invitae Variant Classification Sherloc (09022015). Collection method: clinical testing. Allele origin: germline.
Comment: Advanced modeling of protein sequence and biophysical properties (such as structural, functional, and spatial information, amino acid conservation, physicochemical variation, residue mobility, and thermodynamic stability) performed at Invitae indicates that this missense variant is expected to disrupt ACO2 protein function. In summary, the available evidence is currently insufficient to determine the role of this variant in disease. Therefore, it has been classified as a Variant of Uncertain Significance. This variant has not been reported in the literature in individuals affected with ACO2-related conditions. This sequence change replaces alanine, which is neutral and non-polar, with valine, which is neutral and non-polar, at codon 119 of the ACO2 protein (p.Ala119Val). This variant is not present in population databases (gnomAD no frequency).

NM_001098.3(ACO2):c.356C>T (p.Ala119Val)

Gene: ACO2 (aconitase 2; plus strand). Cytogenetic location: 22q13.2.
Variant type: single nucleotide variant.
Coding change: c.356C>T on transcript NM_001098.3 (MANE Select); coding-DNA position 356, C replaced by T.
Protein change: p.Ala119Val; replaces alanine 119 with valine.
Molecular consequence: missense variant.
Genome position (GRCh38, 1-based): chr22:41,507,973, C>T. VCF-style: chr22-41507973-C-T. GRCh37 (hg19) VCF-style: chr22-41903977-C-T.
Other names: short protein forms A119V.
Identifiers: ClinVar variation 1932576 (VCV001932576.5), dbSNP rs1161976493, ClinGen allele CA411713740.